The following is an entry in ClinVar:

NM_003737.4(DCHS1):c.6821G>A (p.Arg2274His)

Gene: DCHS1 (dachsous cadherin-related 1; minus strand). Cytogenetic location: 11p15.4.
Variant type: single nucleotide variant.
Coding change: c.6821G>A on transcript NM_003737.4 (MANE Select); coding-DNA position 6821, G replaced by A.
Protein change: p.Arg2274His; replaces arginine 2274 with histidine.
Molecular consequence: missense variant.
Genome position (GRCh38, 1-based): chr11:6,625,638, C>T on the plus strand (G>A on the coding strand, the complement: DCHS1 is on the minus strand). VCF-style: chr11-6625638-C-T. GRCh37 (hg19) VCF-style: chr11-6646869-C-T.
Other names: short protein forms R2274H.
Identifiers: ClinVar variation 2083224 (VCV002083224.4), dbSNP rs768078918, ClinGen allele CA5859762.
Genomic context (GRCh38, chr11:6,625,638, plus strand): 5'-CCACTTTACCCAGCCTCACCTTCTGACACTCGGAGCTCCCAGGGTTGGGGGATGGTGGGG[C>T]GATTGTCATTGGTGTCGATGACCATCACCGTCAAGGTAGCTGAGCCCACCAGGGCTGGGC-3'
Protein context (NP_003728.1, residues 2264-2284): TVMVIDTNDN[Arg2274His]PTIPQPWELR

ClinVar aggregate classification (germline): Uncertain significance (1 of 4 stars; one submission).

Submission:

Labcorp Genetics (formerly Invitae), Labcorp
Classification: Uncertain significance. Last evaluated: 2025-07-22. Review status: criteria provided, single submitter. Criteria: Invitae Variant Classification Sherloc (09022015). Collection method: clinical testing. Allele origin: germline.
Comment: This sequence change replaces arginine, which is basic and polar, with histidine, which is basic and polar, at codon 2274 of the DCHS1 protein (p.Arg2274His). This variant is present in population databases (rs768078918, gnomAD 0.007%). This variant has not been reported in the literature in individuals affected with DCHS1-related conditions. ClinVar contains an entry for this variant (Variation ID: 2083224). Invitae Evidence Modeling of protein sequence and biophysical properties (such as structural, functional, and spatial information, amino acid conservation, physicochemical variation, residue mobility, and thermodynamic stability) indicates that this missense variant is expected to disrupt DCHS1 protein function with a positive predictive value of 80%. In summary, the available evidence is currently insufficient to determine the role of this variant in disease. Therefore, it has been classified as a Variant of Uncertain Significance.